The following is an entry in ClinVar:

ClinVar aggregate classification (germline): Likely benign. Review status: reviewed by expert panel (3 of 4 stars). 3 submissions from 2 submitters: Likely benign (1). 2 of the submissions do not count toward it. Last evaluated 2025-05-20.

Conditions:
RPGR-related retinopathy. Also called: RPGR retinopathy. Identifiers: MedGen CN305589, MONDO:0100437.
Retinitis pigmentosa 3. Also called: CHOROIDORETINAL DEGENERATION WITH RETINAL REFLEX IN HETEROZYGOUS WOMEN. Identifiers: Orphanet 791, MedGen C1845667, MONDO:0010227, OMIM 300029.
Retinal dystrophy. Also called: Inherited retinal dystrophy. Identifiers: Orphanet 71862, MedGen C0854723, MeSH D058499, MONDO:0019118, HP:0000556.

gnomAD v4.1: 1 of 380,936 alleles (0.00026%); highest among the groups gnomAD compares: Non-Finnish European, 0.00037%; no homozygotes.

Submissions (3):

ClinGen X-linked Inherited Retinal Disease Variant Curation Expert Panel, ClinGen
Classification: Likely benign for RPGR-related retinopathy. Last evaluated: 2025-05-20. Review status: reviewed by expert panel. Criteria: ClinGen X LinkedIRD ACMG Specifications RPGR V1.0.0. Collection method: curation. Allele origin: germline. Inheritance: X-linked inheritance.
Comment: NM_001034853.2(RPGR):c.2930G>T (p.Gly977Val) is a missense variant that substitutes glycine with valine at amino acid 977. This variant has been reported in at least 1 proband without detailed clinical phenotype information (PMID: 34985506). The number of individuals meeting the PS4 requirements of some functional vision impairment in affected males by age 30 years, and/or decreased or absent cone and/or rod electroretinogram responses was fewer than the 2 unrelated probands required to meet PS4_Supporting. This variant is absent from hemizygous individuals in gnomAD v4.1.0 (PM2_Supporting). The computational predictor REVEL gives a score of 0.022, which is below the ClinGen X-linked IRD VCEP threshold of < 0.183 and predicts a non-damaging effect on RPGR function. Additionally, the splicing impact predictor SpliceAI gives a delta score of 0.00, which is below the ClinGen X-linked IRD VCEP recommended threshold of <0.1 and does not strongly predict an impact on splicing (BP4_moderate). In summary, this variant is classified as likely benign for RPGR-related retinopathy based on the ClinGen X-linked Inherited Retinal Disease Expert Panel Specifications to the ACMG/AMP Variant Interpretation Guidelines for RPGR Version 1.0.0; PM2_supporting and BP4_moderate. (date of approval 05/16/2025).

Blueprint Genetics
Classification: Uncertain significance for Retinal dystrophy. Last evaluated: 2019-07-10. Review status: criteria provided, single submitter. Criteria: Blueprint Genetics Variant Classification Scheme. Collection method: clinical testing. Allele origin: germline. Affected: yes. Not counted in ClinVar's aggregate classification.

Blueprint Genetics
Classification: Uncertain significance for Retinitis pigmentosa 3. Review status: no assertion criteria provided. Collection method: clinical testing. Allele origin: germline. Affected: yes. Not counted in ClinVar's aggregate classification.

NM_001034853.2(RPGR):c.2930G>T (p.Gly977Val)

Gene: RPGR (retinitis pigmentosa GTPase regulator; minus strand). Cytogenetic location: Xp11.4.
Variant type: single nucleotide variant.
Coding change: c.2930G>T on transcript NM_001034853.2 (MANE Select); coding-DNA position 2930, G replaced by T.
Protein change: p.Gly977Val; replaces glycine 977 with valine.
Molecular consequence: missense variant. On other transcripts: intron variant (8).
Genome position (GRCh38, 1-based): chrX:38,286,069, C>A on the plus strand (G>T on the coding strand, the complement: RPGR is on the minus strand). VCF-style: chrX-38286069-C-A. GRCh37 (hg19) VCF-style: chrX-38145322-C-A.
Other names: NM_001034853.2(RPGR):c.2930G>T; p.Gly977Val; c.1569+4890G>T (NM_001367249.1, NM_001367250.1); c.1902+1025G>T (NM_001367245.1); c.1386+4890G>T (NM_001367251.1); c.1719+1025G>T (NM_001367246.1); c.1572+4890G>T (NM_001367247.1); c.1905+1025G>T (NM_000328.3); and 1 more; short protein forms G977V.
Identifiers: ClinVar variation 866392 (VCV000866392.2), dbSNP rs1234506102, ClinGen allele CA412729425.